The following is an entry in ClinVar:

ClinVar aggregate classification (germline): Uncertain significance (1 of 4 stars; one submission).

Conditions:
Heterotopia, periventricular, X-linked dominant (PVNH1). Also called: PERIVENTRICULAR NODULAR HETEROTOPIA 4; HETEROTOPIA, PERIVENTRICULAR, 1; PERIVENTRICULAR NODULAR HETEROTOPIA 1; X-linked periventricular heterotopia. Identifiers: Orphanet 2149, Orphanet 82004, MedGen C1848213, MONDO:0010233, OMIM 300049.
Oto-palato-digital syndrome, type II (OPD2). Also called: Otopalatodigital Syndrome, Type II; Otopalatodigital Syndrome Type 2 (FLNA-OPD2); FACIOPALATOOSSEOUS SYNDROME; OPD II SYNDROME. Identifiers: Orphanet 669, Orphanet 90652, MedGen C1844696, MONDO:0010571, OMIM 304120.
Melnick-Needles syndrome (MNS). Also called: Melnick-Needles Syndrome (FLNA-MNS); MELNICK-NEEDLES OSTEODYSPLASTY; OSTEODYSPLASTY OF MELNICK AND NEEDLES. Identifiers: Orphanet 2484, MedGen C0025237, MONDO:0010650, OMIM 309350.
Frontometaphyseal dysplasia (FMD1). Identifiers: Orphanet 1826, MedGen C0265293, MONDO:0015942.

Submission:

Labcorp Genetics (formerly Invitae), Labcorp
Classification: Uncertain significance for Oto-palato-digital syndrome, type II; Heterotopia, periventricular, X-linked dominant; Frontometaphyseal dysplasia; Melnick-Needles syndrome. Last evaluated: 2021-03-02. Review status: criteria provided, single submitter. Criteria: Invitae Variant Classification Sherloc (09022015). Collection method: clinical testing. Allele origin: germline.
Comment: In summary, the available evidence is currently insufficient to determine the role of this variant in disease. Therefore, it has been classified as a Variant of Uncertain Significance. This variant is not present in population databases (ExAC no frequency). Algorithms developed to predict the effect of missense changes on protein structure and function are either unavailable or do not agree on the potential impact of this missense change (SIFT: "Deleterious"; PolyPhen-2: "Benign"; Align-GVGD: "Class C0"). This variant has not been reported in the literature in individuals with FLNA-related conditions. This sequence change replaces lysine with glutamic acid at codon 1151 of the FLNA protein (p.Lys1151Glu). The lysine residue is highly conserved and there is a small physicochemical difference between lysine and glutamic acid.

NM_001110556.2(FLNA):c.3451A>G (p.Lys1151Glu)

Gene: FLNA (filamin A; minus strand). Cytogenetic location: Xq28.
Variant type: single nucleotide variant.
Coding change: c.3451A>G on transcript NM_001110556.2 (MANE Select); coding-DNA position 3451, A replaced by G.
Protein change: p.Lys1151Glu; replaces lysine 1151 with glutamic acid.
Molecular consequence: missense variant.
Genome position (GRCh38, 1-based): chrX:154,360,344, T>C on the plus strand (A>G on the coding strand, the complement: FLNA is on the minus strand). VCF-style: chrX-154360344-T-C. GRCh37 (hg19) VCF-style: chrX-153588712-T-C.
Other names: c.3451A>G, p.Lys1151Glu (NM_001456.4); short protein forms K1151E.
Identifiers: ClinVar variation 962101 (VCV000962101.10), dbSNP rs2067695794, ClinGen allele CA415227426.